The following is an entry in ClinVar:

NM_023110.3(FGFR1):c.1117C>G (p.Leu373Val)

Gene: FGFR1 (fibroblast growth factor receptor 1; minus strand). Cytogenetic location: 8p11.23.
Variant type: single nucleotide variant.
Coding change: c.1117C>G on transcript NM_023110.3 (MANE Select); coding-DNA position 1117, C replaced by G.
Protein change: p.Leu373Val; replaces leucine 373 with valine.
Molecular consequence: missense variant.
Genome position (GRCh38, 1-based): chr8:38,419,700, G>C on the plus strand (C>G on the coding strand, the complement: FGFR1 is on the minus strand). VCF-style: chr8-38419700-G-C. GRCh37 (hg19) VCF-style: chr8-38277218-G-C.
Other names: c.1117C>G, p.Leu373Val (NM_001174063.2); c.1093C>G, p.Leu365Val (NM_001174064.2); c.1111C>G, p.Leu371Val (NM_001174065.2, NM_001354367.2, NM_001354369.2 and 2 more transcripts); c.850C>G, p.Leu284Val (NM_001174066.2, NM_023105.3); c.1210C>G, p.Leu404Val (NM_001174067.2); c.844C>G, p.Leu282Val (NM_001354368.2, NM_001354370.2, NM_023106.3); short protein forms L284V, L373V, L282V, L371V, L404V, L365V.
Identifiers: ClinVar variation 4789778 (VCV004789778.1).
Genomic context (GRCh38, chr8:38,419,700, plus strand): 5'-ACCCCACCATGCAGGAGATGAGGAAGGCCCCTGTGCAATAGATGATGATCTCCAGGTACA[G>C]GGGCGAGGTCATCACTGCCGGCCTCTCTTCCAGGGCTGAGTCAGTGCGAACAGGGTGTTA-3'
Protein context (NP_075598.2, residues 363-383): EERPAVMTSP[Leu373Val]YLEIIIYCTG

ClinVar aggregate classification (germline): Uncertain significance (1 of 4 stars; one submission).

Conditions:
Hypogonadotropic hypogonadism 2 with or without anosmia (HH2). Also called: HYPOGONADOTROPIC HYPOGONADISM 2 WITHOUT ANOSMIA; FGFR1-Related GnRH Deficiency (Kallmann Syndrome 2); HYPOGONADOTROPIC HYPOGONADISM 2 WITH OR WITHOUT ANOSMIA, SUSCEPTIBILITY TO; HYPOGONADOTROPIC HYPOGONADISM 2 WITHOUT ANOSMIA, SUSCEPTIBILITY TO. Identifiers: Orphanet 478, MedGen C1563720, MONDO:0007844, OMIM 147950. Disease mechanism: loss of function.
Pfeiffer syndrome (ACS5). Also called: ACS V. Identifiers: Orphanet 710, MedGen C0220658, MONDO:0007043, OMIM 101600.

Submission:

Labcorp Genetics (formerly Invitae), Labcorp
Classification: Uncertain significance for Pfeiffer syndrome; Hypogonadotropic hypogonadism 2 with or without anosmia. Last evaluated: 2025-12-11. Review status: criteria provided, single submitter. Criteria: Invitae Variant Classification Sherloc (09022015). Collection method: clinical testing. Allele origin: germline.
Comment: This sequence change replaces leucine, which is neutral and non-polar, with valine, which is neutral and non-polar, at codon 373 of the FGFR1 protein (p.Leu373Val). This variant is not present in population databases (gnomAD no frequency). This variant has not been reported in the literature in individuals affected with FGFR1-related conditions. Invitae Evidence Modeling of protein sequence and biophysical properties (such as structural, functional, and spatial information, amino acid conservation, physicochemical variation, residue mobility, and thermodynamic stability) indicates that this missense variant is not expected to disrupt FGFR1 protein function with a negative predictive value of 80%. In summary, the available evidence is currently insufficient to determine the role of this variant in disease. Therefore, it has been classified as a Variant of Uncertain Significance.